The following is an entry in ClinVar:

ClinVar aggregate classification (germline): Pathogenic/Likely pathogenic. Review status: criteria provided, multiple submitters, no conflicts (2 of 4 stars). 19 submissions from 18 submitters: Pathogenic (15); Likely pathogenic (2). 2 of the submissions do not count toward it. Last evaluated 2026-03-19.

Conditions:
MYBPC3-related disorder. Also called: MYBPC3-related disorders; MYBPC3-related condition; MYBPC3-related disease.
Left ventricular noncompaction 10 (LVNC10). Identifiers: Orphanet 154, Orphanet 54260, MedGen C3715165, MONDO:0014163, OMIM 615396.
Cardiovascular phenotype. Identifiers: MedGen CN230736.
Cardiomyopathy (CMYO). Also called: Cardiomyopathies. Identifiers: Orphanet 167848, MedGen C0878544, MONDO:0004994, HP:0001638. Inheritance: Various modes of inheritance.
Primary familial hypertrophic cardiomyopathy (HCM). Identifiers: Orphanet 99739, MedGen C0949658, MeSH D024741, MONDO:0024573. Inheritance: Various modes of inheritance.
Hypertrophic cardiomyopathy 4. Also called: Familial hypertrophic cardiomyopathy 4. Identifiers: MedGen C1861862, MONDO:0007268, OMIM 115197.
Hypertrophic cardiomyopathy. Also called: HYPERTROPHIC MYOCARDIOPATHY. Identifiers: Orphanet 217569, MedGen C0007194, MeSH D002312, MONDO:0005045, HP:0001639.

Allele frequency attached by ClinVar (database versions not stated): ExAC 0.00001; gnomAD exomes 0.00001 and 0.00004; TOPMed 0.00002; gnomAD 0.00003.
gnomAD v4.1: 59 of 1,584,178 alleles (0.0037%); highest among the groups gnomAD compares: Non-Finnish European, 0.0048%; no homozygotes.

Submissions 1 to 7 of 19:

Victorian Clinical Genetics Services, Murdoch Childrens Research Institute
Classification: Pathogenic for Hypertrophic cardiomyopathy 4. Last evaluated: 2026-03-19. Review status: criteria provided, single submitter. Criteria: ACMG Guidelines, 2015. Collection method: clinical testing. Allele origin: germline. Affected: no.
Comment: This variant is classified as Pathogenic. Evidence in support of pathogenic classification: Splice site variant proven to affect splicing of the transcript with a known effect on protein sequence. RT-PCR on patient RNA demonstrated that this variant results in the skipping of exon 17, and subsequently the production of a premature termination codon. This new protein consequence (p.(Trp486*)) is predicted to undergo nonsense-mediated decay (PMID: 25031304); Variant is present in gnomAD <0.01 (v4: 59 heterozygote(s), 0 homozygote(s)); This variant has very strong previous evidence of pathogenicity in unrelated individuals. This variant has been classified as likely pathogenic or pathogenic by multiple clinical laboratories and has been reported in multiple individuals with hypertrophic cardiomyopathy (ClinVar, PMID: 28790153, VCGS); Other NMD-predicted variants comparable to the one identified in this case have very strong previous evidence for pathogenicity. There are at least ten NMD-predicted variants that have been classified as likely pathogenic or pathogenic and reported in individuals with hypertrophic cardiomyopathy (DECIPHER, PMID: 28771489). Additional information: This variant is heterozygous; This gene is associated with both recessive and dominant disease. Dominant inheritance is frequently reported in adult onset conditions, however recessive inheritance results in a more severe early onset phenotype (OMIM); Loss of function is a known mechanism of disease in this gene and is associated with hypertrophic cardiomyopathy 4 (MIM#115197); Variants in this gene are known to have variable expressivity (PMID: 32841044).

Labcorp Genetics (formerly Invitae), Labcorp
Classification: Pathogenic for Hypertrophic cardiomyopathy. Last evaluated: 2026-01-27. Review status: criteria provided, single submitter. Criteria: Invitae Variant Classification Sherloc (09022015). Collection method: clinical testing. Allele origin: germline.
Comment: This sequence change falls in intron 17 of the MYBPC3 gene. It does not directly change the encoded amino acid sequence of the MYBPC3 protein. RNA analysis indicates that this variant induces altered splicing and may result in an absent or altered protein product. This variant is present in population databases (rs397515916, gnomAD 0.007%). This variant has been observed in individuals with hypertrophic cardiomyopathy (PMID: 16199542, 19574547, 23782526, 28790153). This variant is also known as IVS18+4A>T or intron17 DS A>T+4. ClinVar contains an entry for this variant (Variation ID: 42556). Variants that disrupt the consensus splice site are a relatively common cause of aberrant splicing (PMID: 17576681, 9536098). Studies have shown that this variant results in skipping of exon 17, and produces a non-functional protein and/or introduces a premature termination codon (PMID: 25031304). For these reasons, this variant has been classified as Pathogenic.

Dasa
Classification: Pathogenic. Last evaluated: 2025-05-05. Review status: criteria provided, single submitter. Criteria: DASA Assertion Criteria. Collection method: clinical testing. Allele origin: germline.
Comment: NM_000256.3(MYBPC3):c.1624+4A>T is a splice-region variant predicted to affect normal RNA splicing. Segregation evidence has been reported in affected families. Functional evidence supports a deleterious effect on the gene or gene product (PMID: 30645170; PMID: 28408708). This variant has been recurrently observed in individuals with related phenotype (PMID: 30645170; PMID: 28408708). The variant is present at low frequency in population datasets. Based on the available data, this variant is classified as pathogenic.

Ambry Genetics
Classification: Pathogenic for Cardiovascular phenotype. Last evaluated: 2025-04-06. Review status: criteria provided, single submitter. Criteria: Ambry Variant Classification Scheme 2023. Collection method: clinical testing. Allele origin: germline.
Comment: The c.1624+4A>T intronic pathogenic mutation results from an A to T substitution 4 nucleotides after coding exon 17 in the MYBPC3 gene. This alteration (also referred to as IVS17+4A>T) has been reported in multiple unrelated individuals with hypertrophic cardiomyopathy (HCM) and segregated with disease in three families tested by outside laboratories (Ingles J et al. J Med Genet. 2005;42(10):e59; Marston S et al. Circ Res. 2009;105(3):219-22; N&uacute;&ntilde;ez L et al. Circ J. 2013;77(9):2358-65; Burns C et al. Circ Cardiovasc Genet. 2017;10(4); external communication). Skipping of exon 17, which is predicted to lead to a frameshift, was detected on analysis of cardiac tissue from an affected carrier, and RNA analysis in blood samples from carriers identified by another group also confirmed skipping of exon 17 (Helms AS et al. Circ Cardiovasc Genet. 2014;7(4):434-43; Singer ES et al. Circ Genom Precis Med. 2019;12(1):e002368). Based on the supporting evidence, this alteration is interpreted as a disease-causing mutation.

Women's Health and Genetics/Laboratory Corporation of America, LabCorp
Classification: Pathogenic for Primary familial hypertrophic cardiomyopathy. Last evaluated: 2025-03-05. Review status: criteria provided, single submitter. Criteria: LabCorp Variant Classification Summary - May 2015. Collection method: clinical testing. Allele origin: germline.
Comment: Variant summary: MYBPC3 c.1624+4A>T alters a nucleotide located close to a canonical splice site and therefore could affect mRNA splicing, leading to a significantly altered protein sequence. Several computational tools predict a significant impact on normal splicing: One predict the variant abolishes a 3' acceptor site. Three predict the variant weakens a 3' acceptor site. This prediction has been confirmed by functional studies which show the variant to lead to exon 17 skipping and premature termination (Helms_2014). . The variant allele was found at a frequency of 1.3e-05 in 226048 control chromosomes. c.1624+4A>T has been reported in the literature in multiple individuals affected with Hypertrophic Cardiomyopathy (Ingles_2005, Marston_2009, Page_2012, Nunez_2013, Helms_2016). These data indicate that the variant is very likely to be associated with disease. The following publications have been ascertained in the context of this evaluation (PMID: 16199542, 19574547, 22267749, 23782526, 25031304, 27688314).ClinVar contains an entry for this variant (Variation ID: 42556). Based on the evidence outlined above, the variant was classified as pathogenic.

Blueprint Genetics
Classification: Pathogenic for MYBPC3-related disorders. Last evaluated: 2024-09-23. Review status: criteria provided, single submitter. Criteria: ACMG Guidelines, 2015. Collection method: clinical testing. Allele origin: germline. Affected: yes. Observed: 5 variant alleles.

All of Us Research Program, National Institutes of Health
Classification: Pathogenic for Hypertrophic cardiomyopathy. Last evaluated: 2024-08-31. Review status: criteria provided, single submitter. Criteria: ACMG Guidelines, 2015. Collection method: clinical testing. Allele origin: germline. Inheritance: Autosomal dominant inheritance. Observed: 4 variant alleles, 4 heterozygotes.
Comment: The c.1624+4A>T intronic variant of the MYBPC3 gene has been reported in multiple individuals affected with hypertrophic cardiomyopathy (PMID: 16199542, 19574547, 20031618, 22267749, 28790153, 23782526, 27688314, 30645170). RNA analysis indicates that this variant induces altered splicing due to donor loss. Variants that disrupt the donor or acceptor splice site typically leads to a loss of protein function (PMID: 16199547). Loss-of-function variants in MYBPC3 are known to be pathogenic (PMID: 19574547). This variant is also known as IVS18+4A>T. Functional studies with peripheral blood, septal myectomy and transplant specimens have shown that this variant disrupts mRNA splicing, resulting in skipping of exon 17 and introduction of a premature translation stop codon (PMID: 25031304, 30645170). This variant has been identified in 3/224880 chromosomes in the general population by gnomAD database. Based on the available evidence, the c.1624+4A>T intronic variant in MYBPC3 gene is classified as pathogenic.

This study involves interpretation of variants in research participants for the purpose of population health screening. Participant phenotype was not available at the time of variant classification. Additional details can be found in publication PMID: 35346344, PMCID: PMC8962531

NM_000256.3(MYBPC3):c.1624+4A>T

Gene: MYBPC3 (myosin binding protein C3; minus strand). Cytogenetic location: 11p11.2.
Variant type: single nucleotide variant.
Coding change: c.1624+4A>T on transcript NM_000256.3 (MANE Select); 4 bases into the intron after coding-DNA position 1624, A replaced by T.
Molecular consequence: intron variant.
Genome position (GRCh38, 1-based): chr11:47,342,574, T>A on the plus strand (A>T on the coding strand, the complement: MYBPC3 is on the minus strand). VCF-style: chr11-47342574-T-A. GRCh37 (hg19) VCF-style: chr11-47364125-T-A.
Identifiers: ClinVar variation 42556 (VCV000042556.49), dbSNP rs397515916, ClinGen allele CA010777.